The following is an entry in ClinVar:

ClinVar aggregate classification (germline): Benign/Likely benign. Review status: criteria provided, multiple submitters, no conflicts (2 of 4 stars). 10 submissions from 10 submitters: Benign (1); Likely benign (7). 2 of the submissions do not count toward it. Last evaluated 2025-12-26.

Conditions:
Cardiovascular phenotype. Identifiers: MedGen CN230736.
Hypertrophic cardiomyopathy 1 (CMH1). Also called: Familial hypertrophic cardiomyopathy 1; MYH7-Related Familial Hypertrophic Cardiomyopathy. Identifiers: MedGen C3495498, MONDO:0008647, OMIM 192600.
Hypertrophic cardiomyopathy 14. Identifiers: MedGen C2750467, MONDO:0013197, OMIM 613251.
Sick sinus syndrome 3, susceptibility to (SSS3). Identifiers: Orphanet 166282, MedGen C3279791, MONDO:0013568, OMIM 614090.
Atrial septal defect 3 (ASD3). Identifiers: Orphanet 1478, MedGen C3279790, MONDO:0013567, OMIM 614089.
Dilated cardiomyopathy 1EE (CMD1EE). Identifiers: Orphanet 154, MedGen C2750466, MONDO:0013198, OMIM 613252.
Cardiomyopathy (CMYO). Also called: Cardiomyopathies. Identifiers: Orphanet 167848, MedGen C0878544, MONDO:0004994, HP:0001638. Inheritance: Various modes of inheritance.

Allele frequency attached by ClinVar (database versions not stated): TOPMed 0.00009; gnomAD exomes 0.00011 and 0.00028; ExAC 0.00013; ESP Exome Variant Server 0.00046.

Submissions (10):

Labcorp Genetics (formerly Invitae), Labcorp
Classification: Likely benign for Hypertrophic cardiomyopathy 14. Last evaluated: 2025-12-26. Review status: criteria provided, single submitter. Criteria: Invitae Variant Classification Sherloc (09022015). Collection method: clinical testing. Allele origin: germline.

Women's Health and Genetics/Laboratory Corporation of America, LabCorp
Classification: Benign. Last evaluated: 2025-05-09. Review status: criteria provided, single submitter. Criteria: LabCorp Variant Classification Summary - May 2015. Collection method: clinical testing. Allele origin: germline.

Blueprint Genetics
Classification: Likely benign. Last evaluated: 2024-10-30. Review status: criteria provided, single submitter. Criteria: ACMG Guidelines, 2015. Collection method: clinical testing. Allele origin: germline.

Fulgent Genetics
Classification: Likely benign for Hypertrophic cardiomyopathy 1; Hypertrophic cardiomyopathy 14; Dilated cardiomyopathy 1EE; Atrial septal defect 3; Sick sinus syndrome 3, susceptibility to. Last evaluated: 2021-08-13. Review status: criteria provided, single submitter. Criteria: ACMG Guidelines, 2015. Collection method: clinical testing. Allele origin: unknown.

CHEO Genetics Diagnostic Laboratory, Children's Hospital of Eastern Ontario
Classification: Likely benign for Cardiomyopathy. Last evaluated: 2020-06-15. Review status: criteria provided, single submitter. Criteria: ACMG Guidelines, 2015. Collection method: clinical testing. Allele origin: germline.

Ambry Genetics
Classification: Likely benign for Cardiovascular phenotype. Last evaluated: 2019-09-30. Review status: criteria provided, single submitter. Criteria: Ambry Variant Classification Scheme 2023. Collection method: clinical testing. Allele origin: germline.

GeneDx
Classification: Likely benign. Last evaluated: 2017-11-27. Review status: criteria provided, single submitter. Criteria: GeneDx Variant Classification (06012015). Collection method: clinical testing. Allele origin: germline. Affected: yes.
Comment: This variant is considered likely benign or benign based on one or more of the following criteria: it is a conservative change, it occurs at a poorly conserved position in the protein, it is predicted to be benign by multiple in silico algorithms, and/or has population frequency not consistent with disease.

Laboratory for Molecular Medicine, Mass General Brigham Personalized Medicine
Classification: Likely benign. Last evaluated: 2012-03-19. Review status: criteria provided, single submitter. Criteria: LMM Criteria. Collection method: clinical testing. Allele origin: germline. Observed: 1 variant allele.
Comment: p.Gly699Gly in Exon 18 of MYH6: This variant is not expected to have clinical si gnificance because it does not alter an amino acid residue, is not located withi n the splice consensus sequence. It has been identified in 0.1% (6/7020) of Euro pean American chromosomes from a broad population by the NHLBI Exome Sequencing Project (dbSNP rs149734381).

Diagnostic Laboratory, Department of Genetics, University Medical Center Groningen
Classification: Likely benign. Review status: no assertion criteria provided. Collection method: clinical testing. Allele origin: germline. Affected: yes. Study: VKGL Data-share Consensus. Not counted in ClinVar's aggregate classification.

Joint Genome Diagnostic Labs from Nijmegen and Maastricht, Radboudumc and MUMC+
Classification: Likely benign. Review status: no assertion criteria provided. Collection method: clinical testing. Allele origin: germline. Affected: yes. Study: VKGL Data-share Consensus. Not counted in ClinVar's aggregate classification.

NM_002471.4(MYH6):c.2097C>T (p.Gly699=)

Gene: MYH6 (myosin heavy chain 6; minus strand). Cytogenetic location: 14q11.2.
Variant type: single nucleotide variant.
Coding change: c.2097C>T on transcript NM_002471.4 (MANE Select); coding-DNA position 2097, C replaced by T.
Protein change: p.Gly699=; no amino-acid change (glycine 699 retained).
Molecular consequence: synonymous variant.
Genome position (GRCh38, 1-based): chr14:23,397,034, G>A on the plus strand (C>T on the coding strand, the complement: MYH6 is on the minus strand). VCF-style: chr14-23397034-G-A. GRCh37 (hg19) VCF-style: chr14-23866243-G-A.
Identifiers: ClinVar variation 178071 (VCV000178071.25), dbSNP rs149734381, ClinGen allele CA181330.